The following is an entry in ClinVar:

NM_001267550.2(TTN):c.5204del (p.Val1735fs)

Gene: TTN (titin; minus strand). Cytogenetic location: 2q31.2.
Variant type: Deletion.
Coding change: c.5204del on transcript NM_001267550.2 (MANE Select); coding-DNA position 5204, one base deleted (T; older notation c.5204delT).
Protein change: p.Val1735fs; shifts the reading frame from valine 1735.
Molecular consequence: frameshift variant.
Genome position (GRCh38, 1-based): chr2:178,776,660, A deleted on the plus strand (T on the coding strand, the reverse complement: TTN is on the minus strand). VCF-style (leftmost placement, unchanged base first): chr2-178776659-CA-C. GRCh37 (hg19) VCF-style: chr2-179641386-CA-C.
Other names: c.5204del, p.Val1735fs (NM_001256850.1, NM_133378.4, NM_133379.5); c.5066del, p.Val1689fs (NM_003319.4, NM_133432.3, NM_133437.4); short protein forms V1689fs, V1735fs.
Identifiers: ClinVar variation 2943608 (VCV002943608.3), dbSNP rs2532886561, ClinGen allele CA2740096302.

ClinVar aggregate classification (germline): Likely pathogenic (1 of 4 stars; one submission).

Conditions:
Dilated cardiomyopathy 1G (CMD1G). Identifiers: Orphanet 154, MedGen C1858763, MONDO:0011400, OMIM 604145.
Autosomal recessive limb-girdle muscular dystrophy type 2J (LGMDR10). Also called: MUSCULAR DYSTROPHY, LIMB-GIRDLE, AUTOSOMAL RECESSIVE 10; Limb-girdle muscular dystrophy, type 2J. Identifiers: Orphanet 140922, MedGen C1837342, MONDO:0012127, OMIM 608807.

Submission:

Labcorp Genetics (formerly Invitae), Labcorp
Classification: Likely pathogenic for Dilated cardiomyopathy 1G; Autosomal recessive limb-girdle muscular dystrophy type 2J. Last evaluated: 2024-10-18. Review status: criteria provided, single submitter. Criteria: Invitae Variant Classification Sherloc (09022015). Collection method: clinical testing. Allele origin: germline.
Comment: This sequence change creates a premature translational stop signal (p.Val1735Glyfs*19) in the TTN gene. While this is not anticipated to result in nonsense mediated decay, it is expected to create a truncated TTN protein. This variant is not present in population databases (gnomAD no frequency). This variant has not been reported in the literature in individuals affected with TTN-related conditions. This variant is located in the Z band of TTN (PMID: 25589632). Truncating variants in this region have been reported in individuals affected with autosomal recessive centronuclear myopathy (PMID: 33449170, internal data). Truncating variants in this region have also been identified in individuals affected with autosomal dominant dilated cardiomyopathy and/or cardio-related conditions (PMID: 27869827, 32964742, internal data). In summary, the currently available evidence indicates that the variant is pathogenic, but additional data are needed to prove that conclusively. Therefore, this variant has been classified as Likely Pathogenic.

Literature cited by the submitters: PubMed 25589632; PubMed 33449170; PubMed 27869827; PubMed 32964742.